The following is an entry in ClinVar:

NM_001083961.2(WDR62):c.2525G>C (p.Gly842Ala)

Gene: WDR62 (WD repeat domain 62; plus strand). Cytogenetic location: 19q13.12.
Variant type: single nucleotide variant.
Coding change: c.2525G>C on transcript NM_001083961.2 (MANE Select); coding-DNA position 2525, G replaced by C.
Protein change: p.Gly842Ala; replaces glycine 842 with alanine.
Molecular consequence: missense variant.
Genome position (GRCh38, 1-based): chr19:36,099,403, G>C. VCF-style: chr19-36099403-G-C. GRCh37 (hg19) VCF-style: chr19-36590305-G-C.
Other names: c.2510G>C, p.Gly837Ala (NM_001411145.1); c.2525G>C, p.Gly842Ala (NM_001411146.1, NM_173636.5); c.2174G>C, p.Gly725Ala (NM_001411147.1); c.2525G>C (NM_001083961.1); short protein forms G725A, G837A, G842A.
Identifiers: ClinVar variation 1944164 (VCV001944164.6), dbSNP rs758661085, ClinGen allele CA9395983.

ClinVar aggregate classification (germline): Conflicting classifications of pathogenicity. Review status: criteria provided, conflicting classifications (1 of 4 stars). 2 submissions from 2 submitters: Uncertain significance (1); Likely benign (1). Last evaluated 2025-07-01.

Allele frequency attached by ClinVar (database versions not stated): TOPMed below 0.00001; ExAC 0.00010; gnomAD 0.00013.
gnomAD v4.1: 92 of 1,613,318 alleles (0.0057%); highest among the groups gnomAD compares: Non-Finnish European, 0.002%; 1 homozygote.

Submissions (2):

Athena Diagnostics
Classification: Uncertain significance. Last evaluated: 2025-07-01. Review status: criteria provided, single submitter. Criteria: Athena Diagnostics Criteria. Collection method: clinical testing. Allele origin: unknown.
Comment: Available data are insufficient to determine the clinical significance of the variant at this time. The frequency of this variant in the general population is higher than would generally be expected for pathogenic variants in this gene. Polyphen and MutationTaster yielded discordant predictions regarding whether this amino acid change is damaging to the protein.

Labcorp Genetics (formerly Invitae), Labcorp
Classification: Likely benign. Last evaluated: 2025-04-21. Review status: criteria provided, single submitter. Criteria: Invitae Variant Classification Sherloc (09022015). Collection method: clinical testing. Allele origin: germline.